The following is an entry in ClinVar:

ClinVar aggregate classification (germline): Uncertain significance (1 of 4 stars; one submission).

Conditions:
POLD1-related polyposis and colorectal cancer syndrome (CRCS10). Also called: Colorectal cancer 10; COLORECTAL CANCER, SUSCEPTIBILITY TO, ON CHROMOSOME 19q; Colorectal cancer, susceptibility to, 10. Identifiers: Orphanet 220460, MedGen C2675481, MONDO:0012953, OMIM 612591.

Submission:

Labcorp Genetics (formerly Invitae), Labcorp
Classification: Uncertain significance for POLD1-related polyposis and colorectal cancer syndrome. Last evaluated: 2021-05-20. Review status: criteria provided, single submitter. Criteria: Invitae Variant Classification Sherloc (09022015). Collection method: clinical testing. Allele origin: germline.
Comment: Algorithms developed to predict the effect of missense changes on protein structure and function are either unavailable or do not agree on the potential impact of this missense change (SIFT: "Tolerated"; PolyPhen-2: "Probably Damaging"; Align-GVGD: "Class C0"). In summary, the available evidence is currently insufficient to determine the role of this variant in disease. Therefore, it has been classified as a Variant of Uncertain Significance. This variant has not been reported in the literature in individuals with POLD1-related conditions. This sequence change replaces glutamine with histidine at codon 707 of the POLD1 protein (p.Gln707His). The glutamine residue is highly conserved and there is a small physicochemical difference between glutamine and histidine. This variant is not present in population databases (ExAC no frequency).

NM_002691.4(POLD1):c.2121G>T (p.Gln707His)

Gene: POLD1 (DNA polymerase delta 1, catalytic subunit; plus strand). Cytogenetic location: 19q13.33.
Variant type: single nucleotide variant.
Coding change: c.2121G>T on transcript NM_002691.4 (MANE Select); coding-DNA position 2121, G replaced by T.
Protein change: p.Gln707His; replaces glutamine 707 with histidine.
Molecular consequence: missense variant. On other transcripts: non-coding transcript variant (1).
Genome position (GRCh38, 1-based): chr19:50,409,633, G>T. VCF-style: chr19-50409633-G-T. GRCh37 (hg19) VCF-style: chr19-50912890-G-T.
Other names: c.2121G>T, p.Gln707His (NM_001256849.1); c.2199G>T, p.Gln733His (NM_001308632.1); short protein forms Q733H, Q707H.
Identifiers: ClinVar variation 1427633 (VCV001427633.8), dbSNP rs2122389061, ClinGen allele CA406982669.